The following is an entry in ClinVar:

ClinVar aggregate classification (germline): Likely benign (1 of 4 stars; one submission).

Allele frequency attached by ClinVar (database versions not stated): TOPMed 0.00011; gnomAD 0.00016; 1000 Genomes Project 30x 0.00021; gnomAD exomes 0.00026; ExAC 0.00032.
gnomAD v4.1: 296 of 1,150,252 alleles (0.026%); highest among the groups gnomAD compares: Non-Finnish European, 0.032%; no homozygotes.

Submission:

CeGaT Center for Human Genetics Tuebingen
Classification: Likely benign. Last evaluated: 2024-05-01. Review status: criteria provided, single submitter. Criteria: CeGaT Center For Human Genetics Tuebingen Variant Classification Criteria Version 2. Collection method: clinical testing. Allele origin: germline. Affected: yes. Observed: 1 variant allele.
Comment: IQSEC2: PP2, BS2

NM_001243197.2(IQSEC2):c.127G>A (p.Glu43Lys)

Gene: IQSEC2 (IQ motif and Sec7 domain ArfGEF 2; minus strand). Cytogenetic location: Xp11.22.
Variant type: single nucleotide variant.
Coding change: c.127G>A on transcript NM_001243197.2 (MANE Plus Clinical); coding-DNA position 127, G replaced by A.
Protein change: p.Glu43Lys; replaces glutamic acid 43 with lysine.
Molecular consequence: missense variant. On other transcripts: intron variant (3).
Genome position (GRCh38, 1-based): chrX:53,267,060, C>T on the plus strand (G>A on the coding strand, the complement: IQSEC2 is on the minus strand). VCF-style: chrX-53267060-C-T. GRCh37 (hg19) VCF-style: chrX-53296242-C-T.
Other names: c.738-10999G>A (NM_001410736.1, NM_001111125.3); c.123-10999G>A (NM_015075.2); short protein forms E43K.
Identifiers: ClinVar variation 3239134 (VCV003239134.19), dbSNP rs782486853.
Genomic context (GRCh38, chrX:53,267,060, plus strand): 5'-GACAGCAGAACTGGTGAGCGTCTTCCTCTTCCTCTTCCTCAGTCTCCTCCTCCTCCTCCT[C>T]TTCCCTGGGGCCAGGAAGGGCGGGGTAGAGGCCACAGGCGGTGGGTGACAGAGAGAGGCA-3'
Protein context (NP_001230126.1, residues 33-53): PSGRLAESRE[Glu43Lys]EEEEETEEEE